The following is an entry in ClinVar:

NM_002528.7(NTHL1):c.278C>T (p.Ala93Val)

Gene: NTHL1 (nth like DNA glycosylase 1; minus strand). Cytogenetic location: 16p13.3.
Variant type: single nucleotide variant.
Coding change: c.278C>T on transcript NM_002528.7 (MANE Select); coding-DNA position 278, C replaced by T.
Protein change: p.Ala93Val; replaces alanine 93 with valine.
Molecular consequence: missense variant. On other transcripts: intron variant (1).
Genome position (GRCh38, 1-based): chr16:2,046,204, G>A on the plus strand (C>T on the coding strand, the complement: NTHL1 is on the minus strand). VCF-style: chr16-2046204-G-A. GRCh37 (hg19) VCF-style: chr16-2096205-G-A.
Other names: c.278C>T, p.Ala93Val (NM_001318193.2); c.24+76C>T (NM_001318194.2); short protein forms A93V.
Identifiers: ClinVar variation 1799013 (VCV001799013.7), dbSNP rs2150945760, ClinGen allele CA394296784.

ClinVar aggregate classification (germline): Uncertain significance. Review status: criteria provided, multiple submitters, no conflicts (2 of 4 stars). 2 submissions from 2 submitters: Uncertain significance (2). Last evaluated 2022-04-08.

Conditions:
Hereditary cancer-predisposing syndrome. Also called: Neoplastic Syndromes, Hereditary; Tumor predisposition; Hereditary Cancer Syndrome; Hereditary neoplastic syndrome. Identifiers: Orphanet 140162, MedGen C0027672, MeSH D009386, MONDO:0015356.

Allele frequency attached by ClinVar (database versions not stated): gnomAD exomes below 0.00001.

Submissions (2):

Ambry Genetics
Classification: Uncertain significance for Hereditary cancer-predisposing syndrome. Last evaluated: 2022-04-08. Review status: criteria provided, single submitter. Criteria: Ambry Variant Classification Scheme 2023. Collection method: clinical testing. Allele origin: germline.
Comment: The p.A101V variant (also known as c.302C>T), located in coding exon 2 of the NTHL1 gene, results from a C to T substitution at nucleotide position 302. The alanine at codon 101 is replaced by valine, an amino acid with similar properties. This amino acid position is conserved. In addition, this alteration is predicted to be tolerated by in silico analysis. Since supporting evidence is limited at this time, the clinical significance of this alteration remains unclear.

Labcorp Genetics (formerly Invitae), Labcorp
Classification: Uncertain significance. Last evaluated: 2022-02-02. Review status: criteria provided, single submitter. Criteria: Invitae Variant Classification Sherloc (09022015). Collection method: clinical testing. Allele origin: germline.
Comment: In summary, the available evidence is currently insufficient to determine the role of this variant in disease. Therefore, it has been classified as a Variant of Uncertain Significance. Algorithms developed to predict the effect of missense changes on protein structure and function are either unavailable or do not agree on the potential impact of this missense change (SIFT: "Not Available"; PolyPhen-2: "Benign"; Align-GVGD: "Not Available"). This variant has not been reported in the literature in individuals affected with NTHL1-related conditions. This variant is not present in population databases (gnomAD no frequency). This sequence change replaces alanine, which is neutral and non-polar, with valine, which is neutral and non-polar, at codon 101 of the NTHL1 protein (p.Ala101Val).